The following is an entry in ClinVar:

ClinVar aggregate classification (germline): Uncertain significance (0 of 4 stars; one submission).

Conditions:
PLXNA2-related disorder. Also called: PLXNA2-related condition.

gnomAD v4.1: 9 of 1,613,936 alleles (0.00056%); highest among the groups gnomAD compares: African/African-American, 0.004%; no homozygotes.

Submission:

PreventionGenetics, part of Exact Sciences
Classification: Uncertain significance for PLXNA2-related condition. Last evaluated: 2024-09-25. Review status: no assertion criteria provided. Collection method: clinical testing. Allele origin: germline.
Comment: The PLXNA2 c.1770G>A variant is not predicted to result in an amino acid change (p.=). To our knowledge, this variant has not been reported in the literature. This variant is reported in 0.0040% of alleles in individuals of African descent in gnomAD. At this time, the clinical significance of this variant is uncertain due to the absence of conclusive functional and genetic evidence.

NM_025179.4(PLXNA2):c.1770G>A (p.Ala590=)

Gene: PLXNA2 (plexin A2; minus strand). Cytogenetic location: 1q32.2.
Variant type: single nucleotide variant.
Coding change: c.1770G>A on transcript NM_025179.4 (MANE Select); coding-DNA position 1770, G replaced by A.
Protein change: p.Ala590=; no amino-acid change (alanine 590 retained).
Molecular consequence: synonymous variant.
Genome position (GRCh38, 1-based): chr1:208,096,845, C>T on the plus strand (G>A on the coding strand, the complement: PLXNA2 is on the minus strand). VCF-style: chr1-208096845-C-T. GRCh37 (hg19) VCF-style: chr1-208270190-C-T.
Identifiers: ClinVar variation 3356400 (VCV003356400.1).